The following is an entry in ClinVar:

ClinVar aggregate classification (germline): Likely benign (1 of 4 stars; one submission).

Allele frequency attached by ClinVar (database versions not stated): gnomAD 0.01072.

Submission:

CeGaT Center for Human Genetics Tuebingen
Classification: Likely benign. Last evaluated: 2023-09-01. Review status: criteria provided, single submitter. Criteria: CeGaT Center For Human Genetics Tuebingen Variant Classification Criteria Version 2. Collection method: clinical testing. Allele origin: germline. Affected: yes. Observed: 1 variant allele.
Comment: HRCT1: BP4, BS2

NM_001039792.2(HRCT1):c.323G>C (p.Arg108Pro)

Gene: HRCT1 (histidine rich carboxyl terminus 1; plus strand). Cytogenetic location: 9p13.3.
Variant type: single nucleotide variant.
Coding change: c.323G>C on transcript NM_001039792.2 (MANE Select); coding-DNA position 323, G replaced by C.
Protein change: p.Arg108Pro; replaces arginine 108 with proline.
Molecular consequence: missense variant.
Genome position (GRCh38, 1-based): chr9:35,906,610, G>C. VCF-style: chr9-35906610-G-C. GRCh37 (hg19) VCF-style: chr9-35906607-G-C.
Other names: short protein forms R108P.
Identifiers: ClinVar variation 2659188 (VCV002659188.24), dbSNP rs201684694, ClinGen allele CA5054148.